The following is an entry in ClinVar:

ClinVar aggregate classification (germline): Uncertain significance (1 of 4 stars; one submission).

Conditions:
Mevalonic aciduria (MEVA). Identifiers: Orphanet 29, MedGen C1959626, MONDO:0012481, OMIM 610377.
Hyperimmunoglobulin D with periodic fever (HIDS). Also called: Hyperimmunoglobulinemia D; HYPERIMMUNOGLOBULINEMIA D AND PERIODIC FEVER SYNDROME; Hyperimmunoglobulinemia D with periodic fever. Identifiers: Orphanet 343, MedGen C0398691, MONDO:0009849, OMIM 260920.
Porokeratosis 3, disseminated superficial actinic type (POROK3). Also called: POROKERATOSIS, DISSEMINATED SUPERFICIAL ACTINIC, 1; POROKERATOSIS 3, MULTIPLE TYPES; POROKERATOSIS 3, MIBELLI TYPE. Identifiers: MedGen C1867981, MONDO:0008293, OMIM 175900.

Allele frequency attached by ClinVar (database versions not stated): TOPMed below 0.00001.

Submission:

Labcorp Genetics (formerly Invitae), Labcorp
Classification: Uncertain significance for Mevalonic aciduria; Hyperimmunoglobulin D with periodic fever; Porokeratosis 3, disseminated superficial actinic type. Last evaluated: 2022-09-25. Review status: criteria provided, single submitter. Criteria: Invitae Variant Classification Sherloc (09022015). Collection method: clinical testing. Allele origin: germline.
Comment: This variant has not been reported in the literature in individuals affected with MVK-related conditions. Advanced modeling of protein sequence and biophysical properties (such as structural, functional, and spatial information, amino acid conservation, physicochemical variation, residue mobility, and thermodynamic stability) performed at Invitae indicates that this missense variant is expected to disrupt MVK protein function. In summary, the available evidence is currently insufficient to determine the role of this variant in disease. Therefore, it has been classified as a Variant of Uncertain Significance. This sequence change replaces leucine, which is neutral and non-polar, with proline, which is neutral and non-polar, at codon 29 of the MVK protein (p.Leu29Pro). This variant is not present in population databases (gnomAD no frequency).

NM_000431.4(MVK):c.86T>C (p.Leu29Pro)

Gene: MVK (mevalonate kinase; plus strand). Cytogenetic location: 12q24.11.
Variant type: single nucleotide variant.
Coding change: c.86T>C on transcript NM_000431.4 (MANE Select); coding-DNA position 86, T replaced by C.
Protein change: p.Leu29Pro; replaces leucine 29 with proline.
Molecular consequence: missense variant.
Genome position (GRCh38, 1-based): chr12:109,576,005, T>C. VCF-style: chr12-109576005-T-C. GRCh37 (hg19) VCF-style: chr12-110013810-T-C.
Other names: c.86T>C, p.Leu29Pro (NM_001114185.3, NM_001301182.2); short protein forms L29P.
Identifiers: ClinVar variation 1720361 (VCV001720361.5), dbSNP rs1566141430, ClinGen allele CA386643243.